The following is an entry in ClinVar:

NM_000256.3(MYBPC3):c.3295G>T (p.Gly1099Trp)

Gene: MYBPC3 (myosin binding protein C3; minus strand). Cytogenetic location: 11p11.2.
Variant type: single nucleotide variant.
Coding change: c.3295G>T on transcript NM_000256.3 (MANE Select); coding-DNA position 3295, G replaced by T.
Protein change: p.Gly1099Trp; replaces glycine 1099 with tryptophan.
Molecular consequence: missense variant.
Genome position (GRCh38, 1-based): chr11:47,333,229, C>A on the plus strand (G>T on the coding strand, the complement: MYBPC3 is on the minus strand). VCF-style: chr11-47333229-C-A. GRCh37 (hg19) VCF-style: chr11-47354780-C-A.
Other names: short protein forms G1099W.
Identifiers: ClinVar variation 1306722 (VCV001306722.2), dbSNP rs1064794364, ClinGen allele CA380314118.

ClinVar aggregate classification (germline): Uncertain significance (1 of 4 stars; one submission).

Submission:

GeneDx
Classification: Uncertain significance. Last evaluated: 2019-07-01. Review status: criteria provided, single submitter. Criteria: GeneDx Variant Classification Process June 2021. Collection method: clinical testing. Allele origin: germline. Affected: yes.
Comment: Has not been previously published as pathogenic or benign to our knowledge; Not observed in large population cohorts (Lek et al., 2016); In silico analysis, which includes protein predictors and evolutionary conservation, supports a deleterious effect